The following is an entry in ClinVar:

NM_001032.5(RPS29):c.5G>C (p.Gly2Ala)

Gene: RPS29 (ribosomal protein S29; minus strand). Cytogenetic location: 14q21.3.
Variant type: single nucleotide variant.
Coding change: c.5G>C on transcript NM_001032.5 (MANE Select); coding-DNA position 5, G replaced by C.
Protein change: p.Gly2Ala; replaces glycine 2 with alanine.
Molecular consequence: missense variant. On other transcripts: intron variant (1).
Genome position (GRCh38, 1-based): chr14:49,586,342, C>G on the plus strand (G>C on the coding strand, the complement: RPS29 is on the minus strand). VCF-style: chr14-49586342-C-G. GRCh37 (hg19) VCF-style: chr14-50053060-C-G.
Other names: c.5G>C, p.Gly2Ala (NM_001030001.4); c.54-293G>C (NM_001351375.2); short protein forms G2A.
Identifiers: ClinVar variation 2630441 (VCV002630441.1), dbSNP rs2502670201, ClinGen allele CA389755694.

ClinVar aggregate classification (germline): Uncertain significance (1 of 4 stars; one submission).

Conditions:
RPS29-related disorder. Also called: RPS29-related condition.

Submission:

PreventionGenetics, part of Exact Sciences
Classification: Uncertain significance for RPS29-related condition. Last evaluated: 2023-02-17. Review status: criteria provided, single submitter. Criteria: ACMG Guidelines, 2015. Collection method: clinical testing. Allele origin: germline.
Comment: The RPS29 c.5G>C variant is predicted to result in the amino acid substitution p.Gly2Ala. To our knowledge, this variant has not been reported in the literature or in a large population database, indicating this variant is rare. At this time, the clinical significance of this variant is uncertain due to the absence of conclusive functional and genetic evidence.